The following is an entry in ClinVar:

ClinVar aggregate classification (germline): Uncertain significance. Review status: criteria provided, multiple submitters, no conflicts (2 of 4 stars). 2 submissions from 2 submitters: Uncertain significance (2). Last evaluated 2024-10-21.

Conditions:
Hereditary cancer-predisposing syndrome. Also called: Hereditary neoplastic syndrome; Neoplastic Syndromes, Hereditary; Tumor predisposition; Hereditary Cancer Syndrome. Identifiers: Orphanet 140162, MedGen C0027672, MeSH D009386, MONDO:0015356.

Submissions (2):

Ambry Genetics
Classification: Uncertain significance for Hereditary cancer-predisposing syndrome. Last evaluated: 2024-10-21. Review status: criteria provided, single submitter. Criteria: Ambry Variant Classification Scheme 2023. Collection method: clinical testing. Allele origin: germline.
Comment: The p.Q413H variant (also known as c.1239A>C), located in coding exon 8 of the RAD50 gene, results from an A to C substitution at nucleotide position 1239. The glutamine at codon 413 is replaced by histidine, an amino acid with highly similar properties. This amino acid position is conserved. In addition, this alteration is predicted to be tolerated by in silico analysis. Based on the available evidence, the clinical significance of this variant remains unclear.

Labcorp Genetics (formerly Invitae), Labcorp
Classification: Uncertain significance for Hereditary cancer-predisposing syndrome. Last evaluated: 2022-11-10. Review status: criteria provided, single submitter. Criteria: Invitae Variant Classification Sherloc (09022015). Collection method: clinical testing. Allele origin: germline.
Comment: This variant has not been reported in the literature in individuals affected with RAD50-related conditions. Advanced modeling of protein sequence and biophysical properties (such as structural, functional, and spatial information, amino acid conservation, physicochemical variation, residue mobility, and thermodynamic stability) performed at Invitae indicates that this missense variant is not expected to disrupt RAD50 protein function. In summary, the available evidence is currently insufficient to determine the role of this variant in disease. Therefore, it has been classified as a Variant of Uncertain Significance. This sequence change replaces glutamine, which is neutral and polar, with histidine, which is basic and polar, at codon 413 of the RAD50 protein (p.Gln413His). This variant is not present in population databases (gnomAD no frequency).

NM_005732.4(RAD50):c.1239A>C (p.Gln413His)

Gene: RAD50 (RAD50 double strand break repair protein; plus strand). Cytogenetic location: 5q31.1.
Variant type: single nucleotide variant.
Coding change: c.1239A>C on transcript NM_005732.4 (MANE Select); coding-DNA position 1239, A replaced by C.
Protein change: p.Gln413His; replaces glutamine 413 with histidine.
Molecular consequence: missense variant.
Genome position (GRCh38, 1-based): chr5:132,588,874, A>C. VCF-style: chr5-132588874-A-C. GRCh37 (hg19) VCF-style: chr5-131924566-A-C.
Other names: c.1239A>C (NM_005732.3); short protein forms Q413H.
Identifiers: ClinVar variation 2788571 (VCV002788571.4), dbSNP rs182206007, ClinGen allele CA360943054.